The following is an entry in ClinVar:

ClinVar aggregate classification (germline): Uncertain significance (1 of 4 stars; one submission).

Conditions:
Cardiovascular phenotype. Identifiers: MedGen CN230736.

Submission:

Ambry Genetics
Classification: Uncertain significance for Cardiovascular phenotype. Last evaluated: 2024-12-31. Review status: criteria provided, single submitter. Criteria: Ambry Variant Classification Scheme 2023. Collection method: clinical testing. Allele origin: germline.
Comment: The p.L546S variant (also known as c.1637T>C), located in coding exon 17 of the EYA4 gene, results from a T to C substitution at nucleotide position 1637. The leucine at codon 546 is replaced by serine, an amino acid with dissimilar properties. This amino acid position is conserved. In addition, this alteration is predicted to be deleterious by in silico analysis. Based on the available evidence, the clinical significance of this variant remains unclear.

NM_004100.5(EYA4):c.1637T>C (p.Leu546Ser)

Genes: EYA4 (EYA transcriptional coactivator and phosphatase 4; plus strand), TARID (TCF21 antisense RNA inducing promoter demethylation; minus strand). Cytogenetic location: 6q23.2.
Variant type: single nucleotide variant.
Coding change: c.1637T>C on transcript NM_004100.5 (MANE Select); coding-DNA position 1637, T replaced by C.
Protein change: p.Leu546Ser; replaces leucine 546 with serine.
Molecular consequence: missense variant.
Genome position (GRCh38, 1-based): chr6:133,523,076, T>C. VCF-style: chr6-133523076-T-C. GRCh37 (hg19) VCF-style: chr6-133844214-T-C.
Other names: c.1475T>C, p.Leu492Ser (NM_001301012.2); c.1655T>C, p.Leu552Ser (NM_001301013.2); c.1568T>C, p.Leu523Ser (NM_001370458.1, NM_172103.4); c.1493T>C, p.Leu498Ser (NM_001370459.1); c.1637T>C, p.Leu546Ser (NM_172105.4); short protein forms L546S, L492S, L498S, L523S, L552S.
Identifiers: ClinVar variation 3846933 (VCV003846933.1).
Genomic context (GRCh38, chr6:133,523,076, plus strand): 5'-GTATTAGAAAACAAACATGTATATTTCCTCCCTATTTTAGGAGTAACTGCATAAATGTCT[T>C]GGTAACGACAACTCAACTGATCCCAGCACTTGCGAAGGTTCTACTCTATAGTTTAGGAGG-3'
Protein context (NP_004091.3, residues 536-556): ISTRSNCINV[Leu546Ser]VTTTQLIPAL